The following is an entry in ClinVar:

ClinVar aggregate classification (germline): Conflicting classifications of pathogenicity. Review status: criteria provided, conflicting classifications (1 of 4 stars). 5 submissions from 5 submitters: Likely pathogenic (1); Uncertain significance (4). Last evaluated 2026-01-27.

Conditions:
Mucopolysaccharidosis, MPS-III-B (MPS3B). Also called: MUCOPOLYSACCHARIDOSIS, TYPE IIIB; N-ACETYL-ALPHA-D-GLUCOSAMINIDASE DEFICIENCY; NAGLU DEFICIENCY; SANFILIPPO SYNDROME B; MPS III B; Mucopolysaccharidosis type IIIB (Sanfilippo B). Identifiers: Orphanet 79270, MedGen C0086648, MONDO:0009656, OMIM 252920.
Charcot-Marie-Tooth disease axonal type 2V. Also called: CHARCOT-MARIE-TOOTH NEUROPATHY, TYPE 2V; CHARCOT-MARIE-TOOTH DISEASE, AXONAL, AUTOSOMAL DOMINANT, TYPE 2V. Identifiers: Orphanet 447964, MedGen C5569050, MONDO:0014665, OMIM 616491.
NAGLU-related disorder. Also called: NAGLU-related condition.

Allele frequency attached by ClinVar (database versions not stated): gnomAD 0.00003; ExAC 0.00007; ESP Exome Variant Server 0.00008; gnomAD exomes 0.00009; TOPMed 0.00002.
gnomAD v4.1: 60 of 1,604,580 alleles (0.0037%); highest among the groups gnomAD compares: Middle Eastern, 0.016%; no homozygotes.

Submissions (5):

PreventionGenetics, part of Exact Sciences
Classification: Uncertain significance for NAGLU-related condition. Last evaluated: 2026-01-27. Review status: criteria provided, single submitter. Criteria: ACMG Guidelines, 2015. Collection method: clinical testing. Allele origin: germline.
Comment: The NAGLU c.1877G>A variant is predicted to result in the amino acid substitution p.Arg626Gln. This variant was reported in homozygous state in an individual with possibly attenuated form of Mucopolysaccharidosis IIIB/Sanfilippo syndrome B, who exhibited some residual enzymatic activity (Table 2, Almenabawy et al. 2023. PubMed ID: 37596900) and was also observed in cohort of patients with metabolic disorders, however additional information was not provided (Table S6, Almeida et al. 2022. PubMed ID: 35614200). This variant is reported in 0.025% of alleles in individuals of Latino descent in gnomAD. Although we suspect that this variant may be pathogenic, at this time, the clinical significance of this variant is uncertain due to the absence of conclusive functional and genetic evidence.

Blueprint Genetics
Classification: Uncertain significance. Last evaluated: 2024-04-24. Review status: criteria provided, single submitter. Criteria: ACMG Guidelines, 2015. Collection method: clinical testing. Allele origin: germline.

Fulgent Genetics
Classification: Likely pathogenic for Mucopolysaccharidosis, MPS-III-B; Charcot-Marie-Tooth disease axonal type 2V. Last evaluated: 2024-04-10. Review status: criteria provided, single submitter. Criteria: ACMG Guidelines, 2015. Collection method: clinical testing. Allele origin: germline.

Labcorp Genetics (formerly Invitae), Labcorp
Classification: Uncertain significance for Charcot-Marie-Tooth disease axonal type 2V; Mucopolysaccharidosis, MPS-III-B. Last evaluated: 2022-10-17. Review status: criteria provided, single submitter. Criteria: Invitae Variant Classification Sherloc (09022015). Collection method: clinical testing. Allele origin: germline.
Comment: This sequence change replaces arginine, which is basic and polar, with glutamine, which is neutral and polar, at codon 626 of the NAGLU protein (p.Arg626Gln). This variant is present in population databases (rs376545731, gnomAD 0.03%). This variant has not been reported in the literature in individuals affected with NAGLU-related conditions. ClinVar contains an entry for this variant (Variation ID: 891692). Algorithms developed to predict the effect of missense changes on protein structure and function (SIFT, PolyPhen-2, Align-GVGD) all suggest that this variant is likely to be tolerated. In summary, the available evidence is currently insufficient to determine the role of this variant in disease. Therefore, it has been classified as a Variant of Uncertain Significance.

Illumina Laboratory Services, Illumina
Classification: Uncertain significance for Mucopolysaccharidosis, MPS-III-B. Last evaluated: 2018-03-16. Review status: criteria provided, single submitter. Criteria: ICSL Variant Classification Criteria 13 December 2019. Collection method: clinical testing. Allele origin: germline.

NM_000263.4(NAGLU):c.1877G>A (p.Arg626Gln)

Gene: NAGLU (N-acetyl-alpha-glucosaminidase; plus strand). Cytogenetic location: 17q21.2.
Variant type: single nucleotide variant.
Coding change: c.1877G>A on transcript NM_000263.4 (MANE Select); coding-DNA position 1877, G replaced by A.
Protein change: p.Arg626Gln; replaces arginine 626 with glutamine.
Molecular consequence: missense variant.
Genome position (GRCh38, 1-based): chr17:42,543,883, G>A. VCF-style: chr17-42543883-G-A. GRCh37 (hg19) VCF-style: chr17-40695901-G-A.
Other names: short protein forms R626Q.
Identifiers: ClinVar variation 891692 (VCV000891692.8), dbSNP rs376545731, ClinGen allele CA8577110.
Genomic context (GRCh38, chr17:42,543,883, plus strand): 5'-TGGACGAGGTGCTGGCTAGTGACAGCCGCTTCTTGCTGGGCAGCTGGCTAGAGCAGGCCC[G>A]AGCAGCGGCAGTCAGTGAGGCCGAGGCCGATTTCTACGAGCAGAACAGCCGCTACCAGCT-3'
Protein context (NP_000254.2, residues 616-636): FLLGSWLEQA[Arg626Gln]AAAVSEAEAD